The following is an entry in ClinVar:

ClinVar aggregate classification (germline): Uncertain significance (1 of 4 stars; one submission).

Conditions:
Peroxisome biogenesis disorder, complementation group K (CGK). Identifiers: MedGen C1866257, MONDO:0800365.

gnomAD v4.1: 3 of 1,613,482 alleles (0.00019%); highest among the groups gnomAD compares: Non-Finnish European, 0.00025%; no homozygotes.

Submission:

Labcorp Genetics (formerly Invitae), Labcorp
Classification: Uncertain significance for Peroxisome biogenesis disorder, complementation group K. Last evaluated: 2022-05-07. Review status: criteria provided, single submitter. Criteria: Invitae Variant Classification Sherloc (09022015). Collection method: clinical testing. Allele origin: germline.
Comment: In summary, the available evidence is currently insufficient to determine the role of this variant in disease. Therefore, it has been classified as a Variant of Uncertain Significance. Algorithms developed to predict the effect of missense changes on protein structure and function (SIFT, PolyPhen-2, Align-GVGD) all suggest that this variant is likely to be tolerated. This variant has not been reported in the literature in individuals affected with PEX14-related conditions. This variant is not present in population databases (gnomAD no frequency). This sequence change replaces arginine, which is basic and polar, with proline, which is neutral and non-polar, at codon 351 of the PEX14 protein (p.Arg351Pro).

NM_004565.3(PEX14):c.1052G>C (p.Arg351Pro)

Gene: PEX14 (peroxisomal biogenesis factor 14; plus strand). Cytogenetic location: 1p36.22.
Variant type: single nucleotide variant.
Coding change: c.1052G>C on transcript NM_004565.3 (MANE Select); coding-DNA position 1052, G replaced by C.
Protein change: p.Arg351Pro; replaces arginine 351 with proline.
Molecular consequence: missense variant.
Genome position (GRCh38, 1-based): chr1:10,629,905, G>C. VCF-style: chr1-10629905-G-C. GRCh37 (hg19) VCF-style: chr1-10689962-G-C.
Other names: short protein forms R351P.
Identifiers: ClinVar variation 2048122 (VCV002048122.4), dbSNP rs960056444, ClinGen allele CA17855234.